The following is an entry in ClinVar:

ClinVar aggregate classification (germline): Likely benign. Review status: criteria provided, multiple submitters, no conflicts (2 of 4 stars). 3 submissions from 3 submitters: Likely benign (2). 1 of the submissions does not count toward it. Last evaluated 2026-01-22.

Conditions:
ARPC1B-related disorder. Also called: ARPC1B-related condition.

Allele frequency attached by ClinVar (database versions not stated): gnomAD exomes 0.00010; ExAC 0.00013; gnomAD 0.00036 and 0.00041; TOPMed 0.00042; ESP Exome Variant Server 0.00062.

Submissions (3):

Labcorp Genetics (formerly Invitae), Labcorp
Classification: Likely benign. Last evaluated: 2026-01-22. Review status: criteria provided, single submitter. Criteria: Invitae Variant Classification Sherloc (09022015). Collection method: clinical testing. Allele origin: germline.

Mayo Clinic Laboratories, Mayo Clinic
Classification: Likely benign. Last evaluated: 2025-04-03. Review status: criteria provided, single submitter. Criteria: ACMG Guidelines, 2015. Collection method: clinical testing. Allele origin: germline. Observed: 1 variant allele.
Comment: BP4, BP7

PreventionGenetics, part of Exact Sciences
Classification: Likely benign for ARPC1B-related condition. Last evaluated: 2023-05-02. Review status: no assertion criteria provided. Collection method: clinical testing. Allele origin: germline. Not counted in ClinVar's aggregate classification.
Comment: This variant is classified as likely benign based on ACMG/AMP sequence variant interpretation guidelines (Richards et al. 2015 PMID: 25741868, with internal and published modifications).

NM_005720.4(ARPC1B):c.990-5T>G

Gene: ARPC1B (actin related protein 2/3 complex subunit 1B; plus strand). Cytogenetic location: 7q22.1.
Variant type: single nucleotide variant.
Coding change: c.990-5T>G on transcript NM_005720.4 (MANE Select); 5 bases into the intron before coding-DNA position 990, T replaced by G.
Molecular consequence: intron variant.
Genome position (GRCh38, 1-based): chr7:99,394,024, T>G. VCF-style: chr7-99394024-T-G. GRCh37 (hg19) VCF-style: chr7-98991647-T-G.
Other names: p.?; c.990-5T>G (NM_005720.3).
Identifiers: ClinVar variation 1085771 (VCV001085771.12), dbSNP rs374351624, ClinGen allele CA4364179.